The following is an entry in ClinVar:

ClinVar aggregate classification (germline): Uncertain significance (1 of 4 stars; one submission).

Submission:

Mayo Clinic Laboratories, Mayo Clinic
Classification: Uncertain significance. Last evaluated: 2022-08-22. Review status: criteria provided, single submitter. Criteria: ACMG Guidelines, 2015. Collection method: clinical testing. Allele origin: germline. Observed: 1 variant allele.
Comment: PM2_supporting

NM_030787.4(CFHR5):c.1696C>T (p.Pro566Ser)

Gene: CFHR5 (complement factor H related 5; plus strand). Cytogenetic location: 1q31.3.
Variant type: single nucleotide variant.
Coding change: c.1696C>T on transcript NM_030787.4 (MANE Select); coding-DNA position 1696, C replaced by T.
Protein change: p.Pro566Ser; replaces proline 566 with serine.
Molecular consequence: missense variant.
Genome position (GRCh38, 1-based): chr1:197,008,669, C>T. VCF-style: chr1-197008669-C-T. GRCh37 (hg19) VCF-style: chr1-196977799-C-T.
Other names: p.Pro566Ser; short protein forms P566S.
Identifiers: ClinVar variation 2682714 (VCV002682714.1), dbSNP rs748430882, ClinGen allele CA1308148.